The following is an entry in ClinVar:

NM_001048174.2(MUTYH):c.142G>A (p.Val48Ile)

Gene: MUTYH (mutY DNA glycosylase; minus strand). Cytogenetic location: 1p34.1.
Variant type: single nucleotide variant.
Coding change: c.142G>A on transcript NM_001048174.2 (MANE Select); coding-DNA position 142, G replaced by A.
Protein change: p.Val48Ile; replaces valine 48 with isoleucine.
Molecular consequence: missense variant. On other transcripts: 5 prime UTR variant (1), non-coding transcript variant (2), intron variant (3).
Genome position (GRCh38, 1-based): chr1:45,333,535, C>T on the plus strand (G>A on the coding strand, the complement: MUTYH is on the minus strand). VCF-style: chr1-45333535-C-T. GRCh37 (hg19) VCF-style: chr1-45799207-C-T.
Other names: c.142G>A, p.Val48Ile (NM_001048171.2, NM_001048173.2, NM_001293195.2 and 6 more transcripts); c.145G>A, p.Val49Ile (NM_001048172.2, NM_001407071.1, NM_001407078.1 and 2 more transcripts); c.226G>A, p.Val76Ile (NM_001128425.2); c.187G>A, p.Val63Ile (NM_001293190.2); c.175G>A, p.Val59Ile (NM_001293191.2, NM_001407077.1); c.-130G>A (NM_001350650.2); c.217G>A, p.Val73Ile (NM_001407069.1, NM_012222.3); c.184G>A, p.Val62Ile (NM_001407073.1, NM_001407083.1, NM_001407085.1); and 4 more; short protein forms V49I, V76I, V20I, V48I, V55I, V59I, V63I, V62I.
Identifiers: ClinVar variation 2104612 (VCV002104612.5), dbSNP rs1553130405, ClinGen allele CA340136615.

ClinVar aggregate classification (germline): Uncertain significance. Review status: criteria provided, multiple submitters, no conflicts (2 of 4 stars). 2 submissions from 2 submitters: Uncertain significance (2). Last evaluated 2025-08-27.

Conditions:
Hereditary cancer-predisposing syndrome. Also called: Neoplastic Syndromes, Hereditary; Tumor predisposition; Hereditary Cancer Syndrome; Hereditary neoplastic syndrome. Identifiers: Orphanet 140162, MedGen C0027672, MeSH D009386, MONDO:0015356.
Familial adenomatous polyposis 2. Also called: MUTYH Polyposis; COLORECTAL ADENOMATOUS POLYPOSIS, AUTOSOMAL RECESSIVE; ADENOMAS, MULTIPLE COLORECTAL, AUTOSOMAL RECESSIVE; MUTYH-associated polyposis; MYH-associated polyposis; MUTYH-related attenuated familial adenomatous polyposis. Identifiers: Orphanet 220460, Orphanet 247798, MedGen C3272841, MONDO:0012041, OMIM 608456.

Submissions (2):

Ambry Genetics
Classification: Uncertain significance for Hereditary cancer-predisposing syndrome. Last evaluated: 2025-08-27. Review status: criteria provided, single submitter. Criteria: Ambry Variant Classification Scheme 2023. Collection method: clinical testing. Allele origin: germline.
Comment: The p.V76I variant (also known as c.226G>A), located in coding exon 3 of the MUTYH gene, results from a G to A substitution at nucleotide position 226. The valine at codon 76 is replaced by isoleucine, an amino acid with highly similar properties. This amino acid position is conserved. In addition, this alteration is predicted to be tolerated by in silico analysis. Based on the available evidence, the clinical significance of this variant remains unclear.

Labcorp Genetics (formerly Invitae), Labcorp
Classification: Uncertain significance for Familial adenomatous polyposis 2. Last evaluated: 2022-03-26. Review status: criteria provided, single submitter. Criteria: Invitae Variant Classification Sherloc (09022015). Collection method: clinical testing. Allele origin: germline.
Comment: In summary, the available evidence is currently insufficient to determine the role of this variant in disease. Therefore, it has been classified as a Variant of Uncertain Significance. Algorithms developed to predict the effect of missense changes on protein structure and function output the following: SIFT: "Tolerated"; PolyPhen-2: "Benign"; Align-GVGD: "Class C0". The isoleucine amino acid residue is found in multiple mammalian species, which suggests that this missense change does not adversely affect protein function. This variant has not been reported in the literature in individuals affected with MUTYH-related conditions. This variant is not present in population databases (gnomAD no frequency). This sequence change replaces valine, which is neutral and non-polar, with isoleucine, which is neutral and non-polar, at codon 76 of the MUTYH protein (p.Val76Ile).